The following is an entry in ClinVar:

NM_001393504.1(MAST3):c.4000G>A (p.Glu1334Lys)

Gene: MAST3 (microtubule associated serine/threonine kinase 3; plus strand). Cytogenetic location: 19p13.11.
Variant type: single nucleotide variant.
Coding change: c.4000G>A on transcript NM_001393504.1 (MANE Select); coding-DNA position 4000, G replaced by A.
Protein change: p.Glu1334Lys; replaces glutamic acid 1334 with lysine.
Molecular consequence: missense variant.
Genome position (GRCh38, 1-based): chr19:18,149,682, G>A. VCF-style: chr19-18149682-G-A. GRCh37 (hg19) VCF-style: chr19-18260492-G-A.
Other names: c.4024G>A, p.Glu1342Lys (NM_001393501.1); c.4003G>A, p.Glu1335Lys (NM_001393502.1); c.4000G>A, p.Glu1334Lys (NM_001393503.1); c.3970G>A, p.Glu1324Lys (NM_001393505.1); c.3952G>A, p.Glu1318Lys (NM_001393506.1, NM_001393507.1); c.3934G>A, p.Glu1312Lys (NM_001393508.1); c.3931G>A, p.Glu1311Lys (NM_001393509.1, NM_001393510.1); c.3928G>A, p.Glu1310Lys (NM_001393511.1, NM_001393512.1); and 9 more; short protein forms E1287K, E1295K, E1305K, E1311K, E1312K, E1324K, E1335K, E1296K.
Identifiers: ClinVar variation 3543526 (VCV003543526.2).
Genomic context (GRCh38, chr19:18,149,682, plus strand): 5'-GAGCCGCAGGAGGAGGCCACTGGGCTGCCCACCTCAGTGCCACAGATCGCCGTGGAGGGC[G>A]AGGAAGCCGTGCCAGTAGCTCTCGGGCCCACCGGAAGAGACTGATCCCCTGCCAGGTCTC-3'
Protein context (NP_001380433.1, residues 1324-1344): TSVPQIAVEG[Glu1334Lys]EAVPVALGPT

ClinVar aggregate classification (germline): Uncertain significance. Review status: criteria provided, multiple submitters, no conflicts (2 of 4 stars). 2 submissions from 2 submitters: Uncertain significance (2). Last evaluated 2026-06-19.

Conditions:
Inborn genetic diseases. Identifiers: MedGen C0950123, MeSH D030342.

gnomAD v4.1: 16 of 1,612,878 alleles (0.00099%); highest among the groups gnomAD compares: Middle Eastern, 0.016%; no homozygotes.

Submissions (2):

Women's Health and Genetics/Laboratory Corporation of America, LabCorp
Classification: Uncertain significance. Last evaluated: 2026-06-19. Review status: criteria provided, single submitter. Criteria: LabCorp Variant Classification Summary - May 2015. Collection method: clinical testing. Allele origin: germline.
Comment: Variant summary: MAST3 c.3886G>A (p.Glu1296Lys) results in a conservative amino acid change in the encoded protein sequence. Algorithms developed to predict the effect of missense changes on protein structure and function all suggest that this variant is likely to be tolerated. The frequency data for this variant in gnomAD is considered unreliable, as metrics indicate poor data quality at this position. To our knowledge, no occurrence of c.3886G>A in individuals affected with MAST3-related conditions and no experimental evidence demonstrating its impact on protein function have been reported. ClinVar contains an entry for this variant (Variation ID: 3543526). Based on the evidence outlined above, the variant was classified as uncertain significance.

Ambry Genetics
Classification: Uncertain significance for Inborn genetic diseases. Last evaluated: 2024-09-10. Review status: criteria provided, single submitter. Criteria: Ambry Variant Classification Scheme 2023. Collection method: clinical testing. Allele origin: germline.